The following is an entry in ClinVar:

NM_016004.5(IFT52):c.482C>T (p.Ala161Val)

Gene: IFT52 (intraflagellar transport 52; plus strand). Cytogenetic location: 20q13.12.
Variant type: single nucleotide variant.
Coding change: c.482C>T on transcript NM_016004.5 (MANE Select); coding-DNA position 482, C replaced by T.
Protein change: p.Ala161Val; replaces alanine 161 with valine.
Molecular consequence: missense variant. On other transcripts: 5 prime UTR variant (4).
Genome position (GRCh38, 1-based): chr20:43,605,070, C>T. VCF-style: chr20-43605070-C-T. GRCh37 (hg19) VCF-style: chr20-42233710-C-T.
Other names: c.482C>T, p.Ala161Val (NM_001303458.3, NM_001303459.3); c.-190C>T (NM_001323578.2, NM_001323580.2); c.-283C>T (NM_001323579.2, NM_001323581.2); short protein forms A161V.
Identifiers: ClinVar variation 1366197 (VCV001366197.6), dbSNP rs1323841662, ClinGen allele CA409084272.

ClinVar aggregate classification (germline): Uncertain significance (1 of 4 stars; one submission).

Allele frequency attached by ClinVar (database versions not stated): gnomAD exomes below 0.00001.
gnomAD v4.1: 3 of 1,613,176 alleles (0.00019%); highest among the groups gnomAD compares: African/African-American, 0.0013%; no homozygotes.

Submission:

Labcorp Genetics (formerly Invitae), Labcorp
Classification: Uncertain significance. Last evaluated: 2021-11-01. Review status: criteria provided, single submitter. Criteria: Invitae Variant Classification Sherloc (09022015). Collection method: clinical testing. Allele origin: germline.
Comment: In summary, the available evidence is currently insufficient to determine the role of this variant in disease. Therefore, it has been classified as a Variant of Uncertain Significance. Algorithms developed to predict the effect of missense changes on protein structure and function are either unavailable or do not agree on the potential impact of this missense change (SIFT: "Not Available"; PolyPhen-2: "Benign"; Align-GVGD: "Not Available"). This variant has not been reported in the literature in individuals affected with IFT52-related conditions. The frequency data for this variant in the population databases is considered unreliable, as metrics indicate poor data quality at this position in the gnomAD database. This sequence change replaces alanine, which is neutral and non-polar, with valine, which is neutral and non-polar, at codon 161 of the IFT52 protein (p.Ala161Val).